The following is an entry in ClinVar:

ClinVar aggregate classification (germline): Uncertain significance. Review status: criteria provided, multiple submitters, no conflicts (2 of 4 stars). 2 submissions from 2 submitters: Uncertain significance (2). Last evaluated 2022-04-14.

Conditions:
Severe combined immunodeficiency due to CORO1A deficiency. Also called: IMMUNODEFICIENCY 8 WITH LYMPHOPROLIFERATION; Immunodeficiency 8. Identifiers: Orphanet 228003, MedGen C3809383, MONDO:0014168, OMIM 615401.

Allele frequency attached by ClinVar (database versions not stated): TOPMed 0.00004; gnomAD 0.00005; gnomAD exomes 0.00002; ExAC 0.00004.
gnomAD v4.1: 27 of 1,613,994 alleles (0.0017%); highest among the groups gnomAD compares: African/African-American, 0.004%; no homozygotes.

Submissions (2):

Fulgent Genetics
Classification: Uncertain significance for Severe combined immunodeficiency due to CORO1A deficiency. Last evaluated: 2022-04-14. Review status: criteria provided, single submitter. Criteria: ACMG Guidelines, 2015. Collection method: clinical testing. Allele origin: unknown.

Labcorp Genetics (formerly Invitae), Labcorp
Classification: Uncertain significance for Severe combined immunodeficiency due to CORO1A deficiency. Last evaluated: 2022-02-05. Review status: criteria provided, single submitter. Criteria: Invitae Variant Classification Sherloc (09022015). Collection method: clinical testing. Allele origin: germline.
Comment: This sequence change replaces valine, which is neutral and non-polar, with methionine, which is neutral and non-polar, at codon 174 of the CORO1A protein (p.Val174Met). This variant is present in population databases (rs769707848, gnomAD 0.004%). This variant has not been reported in the literature in individuals affected with CORO1A-related conditions. ClinVar contains an entry for this variant (Variation ID: 646149). Algorithms developed to predict the effect of missense changes on protein structure and function (SIFT, PolyPhen-2, Align-GVGD) all suggest that this variant is likely to be tolerated. In summary, the available evidence is currently insufficient to determine the role of this variant in disease. Therefore, it has been classified as a Variant of Uncertain Significance.

NM_007074.4(CORO1A):c.520G>A (p.Val174Met)

Gene: CORO1A (coronin 1A; plus strand). Cytogenetic location: 16p11.2.
Variant type: single nucleotide variant.
Coding change: c.520G>A on transcript NM_007074.4 (MANE Select); coding-DNA position 520, G replaced by A.
Protein change: p.Val174Met; replaces valine 174 with methionine.
Molecular consequence: missense variant.
Genome position (GRCh38, 1-based): chr16:30,187,107, G>A. VCF-style: chr16-30187107-G-A. GRCh37 (hg19) VCF-style: chr16-30198428-G-A.
Other names: c.520G>A, p.Val174Met (NM_001193333.3); short protein forms V174M.
Identifiers: ClinVar variation 646149 (VCV000646149.9), dbSNP rs769707848, ClinGen allele CA8003150.
Genomic context (GRCh38, chr16:30,187,107, plus strand): 5'-AACGTGATCATGGTGTGGGACGTGGGCACTGGGGCGGCCATGCTGACACTGGGCCCAGAG[G>A]TGCACCCAGACACGATCTACAGTGTGGACTGGAGCCGAGATGGAGGCCTCATTTGTACCT-3'
Protein context (NP_009005.1, residues 164-184): GAAMLTLGPE[Val174Met]HPDTIYSVDW